The following is an entry in ClinVar:

NM_022124.6(CDH23):c.*68G>C

Genes: CDH23 (cadherin related 23; plus strand), PSAP (prosaposin; minus strand). Cytogenetic location: 10q22.1.
Variant type: single nucleotide variant.
Coding change: c.*68G>C on transcript NM_022124.6 (MANE Select); 68 bases downstream of the stop codon, G replaced by C.
Molecular consequence: 3 prime UTR variant.
Genome position (GRCh38, 1-based): chr10:71,815,346, G>C. VCF-style: chr10-71815346-G-C. GRCh37 (hg19) VCF-style: chr10-73575103-G-C.
Other names: c.*68G>C (NM_001171933.1, NM_001171934.1, NM_001171935.1 and 1 more transcripts).
Identifiers: ClinVar variation 300482 (VCV000300482.8), dbSNP rs527311705, ClinGen allele CA10628838.

ClinVar aggregate classification (germline): Uncertain significance. Review status: criteria provided, single submitter (1 of 4 stars). 3 submissions from 2 submitters: Uncertain significance (2). 1 of the submissions does not count toward it. Last evaluated 2018-01-13.

Conditions:
PSAP-related disorder. Also called: PSAP-related condition.
Usher syndrome type 1D (USH1D). Also called: USHER SYNDROME, TYPE ID. Identifiers: Orphanet 231169, Orphanet 886, MedGen C1832845, MONDO:0010984, OMIM 601067.
Autosomal recessive nonsyndromic hearing loss 12. Also called: DEAFNESS, AUTOSOMAL RECESSIVE 12. Identifiers: Orphanet 90636, MedGen C1832394, MONDO:0011067, OMIM 601386.

Allele frequency attached by ClinVar (database versions not stated): gnomAD exomes 0.00015; 1000 Genomes Project 0.00040; 1000 Genomes Project 30x 0.00062; gnomAD 0.00161 and 0.00182; TOPMed 0.00189.
gnomAD v4.1: 461 of 1,426,734 alleles (0.032%); highest among the groups gnomAD compares: African/African-American, 0.51%; 1 homozygote.

Submissions (3):

Illumina Laboratory Services, Illumina
Classification: Uncertain significance for Usher syndrome type 1D. Last evaluated: 2018-01-13. Review status: criteria provided, single submitter. Criteria: ICSL Variant Classification Criteria 13 December 2019. Collection method: clinical testing. Allele origin: germline.

Illumina Laboratory Services, Illumina
Classification: Uncertain significance for Autosomal recessive nonsyndromic hearing loss 12. Last evaluated: 2018-01-13. Review status: criteria provided, single submitter. Criteria: ICSL Variant Classification Criteria 13 December 2019. Collection method: clinical testing. Allele origin: germline.

PreventionGenetics, part of Exact Sciences
Classification: Likely benign for PSAP-related condition. Last evaluated: 2022-10-08. Review status: no assertion criteria provided. Collection method: clinical testing. Allele origin: germline. Not counted in ClinVar's aggregate classification.
Comment: This variant is classified as likely benign based on ACMG/AMP sequence variant interpretation guidelines (Richards et al. 2015 PMID: 25741868, with internal and published modifications).